The following is an entry in ClinVar:

NM_001375567.1(FOCAD):c.1198-1G>C

Gene: FOCAD (focadhesin; plus strand). Cytogenetic location: 9p21.3.
Variant type: single nucleotide variant.
Coding change: c.1198-1G>C on transcript NM_001375567.1 (MANE Select); the canonical splice acceptor site of the intron before coding-DNA position 1198, G replaced by C.
Molecular consequence: splice acceptor variant.
Genome position (GRCh38, 1-based): chr9:20,789,350, G>C. VCF-style: chr9-20789350-G-C. GRCh37 (hg19) VCF-style: chr9-20789349-G-C.
Other names: c.1198-1G>C (NM_017794.5, NM_001375568.1); c.1093-1G>C (NM_001375570.1).
Identifiers: ClinVar variation 3040980 (VCV003040980.2), dbSNP rs2490226096, ClinGen allele CA373045677.

ClinVar aggregate classification (germline): Uncertain significance (0 of 4 stars; one submission).

Conditions:
FOCAD-related disorder. Also called: FOCAD-related condition.

Submission:

PreventionGenetics, part of Exact Sciences
Classification: Uncertain significance for FOCAD-related condition. Last evaluated: 2023-10-21. Review status: no assertion criteria provided. Collection method: clinical testing. Allele origin: germline.
Comment: The FOCAD c.1198-1G>C variant is predicted to disrupt the AG splice acceptor site and interfere with normal splicing. However, the consequence of this variant is not predictable; exon skipping would lead to an inframe deletion. To our knowledge, this variant has not been reported in the literature or in a large population database, indicating this variant is rare. Although we suspect that this variant may be pathogenic, at this time, the clinical significance of this variant is uncertain due to the absence of conclusive functional and genetic evidence.